The following is an entry in ClinVar:

NM_173842.3(IL1RN):c.267G>C (p.Lys89Asn)

Gene: IL1RN (interleukin 1 receptor antagonist; plus strand). Cytogenetic location: 2q14.1.
Variant type: single nucleotide variant.
Coding change: c.267G>C on transcript NM_173842.3 (MANE Select); coding-DNA position 267, G replaced by C.
Protein change: p.Lys89Asn; replaces lysine 89 with asparagine.
Molecular consequence: missense variant.
Genome position (GRCh38, 1-based): chr2:113,131,106, G>C. VCF-style: chr2-113131106-G-C. GRCh37 (hg19) VCF-style: chr2-113888683-G-C.
Other names: c.276G>C (NM_173841.2); c.213G>C, p.Lys71Asn (NM_000577.5); c.165G>C, p.Lys55Asn (NM_001318914.2, NM_001379360.1, NM_173843.3); c.276G>C, p.Lys92Asn (NM_173841.3); short protein forms K55N, K71N, K89N, K92N.
Identifiers: ClinVar variation 1006607 (VCV001006607.10), dbSNP rs138332136, ClinGen allele CA1838847.
Genomic context (GRCh38, chr2:113,131,106, plus strand): 5'-AAAGATAGATGTGGTACCCATTGAGCCTCATGCTCTGTTCTTGGGAATCCATGGAGGGAA[G>C]ATGTGCCTGTCCTGTGTCAAGTCTGGTGATGAGACCAGACTCCAGCTGGAGGTAAAAACA-3'
Protein context (NP_776214.1, residues 79-99): HALFLGIHGG[Lys89Asn]MCLSCVKSGD

ClinVar aggregate classification (germline): Uncertain significance. Review status: criteria provided, multiple submitters, no conflicts (2 of 4 stars). 3 submissions from 3 submitters: Uncertain significance (3). Last evaluated 2023-02-01.

Conditions:
Sterile multifocal osteomyelitis with periostitis and pustulosis. Also called: CHRONIC RECURRENT MULTIFOCAL OSTEOMYELITIS 2, WITH PERIOSTITIS AND PUSTULOSIS. Identifiers: Orphanet 210115, MedGen C2748507, MONDO:0013021, OMIM 612852.
Inborn genetic diseases. Identifiers: MedGen C0950123, MeSH D030342.

Allele frequency attached by ClinVar (database versions not stated): ExAC 0.00001; TOPMed 0.00001; gnomAD 0.00002; gnomAD exomes 0.00002; ESP Exome Variant Server 0.00015.
gnomAD v4.1: 28 of 1,613,774 alleles (0.0017%); highest among the groups gnomAD compares: Non-Finnish European, 0.0023%; no homozygotes.

Submissions (3):

Ambry Genetics
Classification: Uncertain significance for Inborn genetic diseases. Last evaluated: 2023-02-01. Review status: criteria provided, single submitter. Criteria: Ambry Variant Classification Scheme 2023. Collection method: clinical testing. Allele origin: germline.

Blueprint Genetics
Classification: Uncertain significance. Last evaluated: 2023-01-09. Review status: criteria provided, single submitter. Criteria: ACMG Guidelines, 2015. Collection method: clinical testing. Allele origin: germline.

Labcorp Genetics (formerly Invitae), Labcorp
Classification: Uncertain significance for Sterile multifocal osteomyelitis with periostitis and pustulosis. Last evaluated: 2020-06-26. Review status: criteria provided, single submitter. Criteria: Invitae Variant Classification Sherloc (09022015). Collection method: clinical testing. Allele origin: germline.
Comment: In summary, the available evidence is currently insufficient to determine the role of this variant in disease. Therefore, it has been classified as a Variant of Uncertain Significance. Algorithms developed to predict the effect of missense changes on protein structure and function output the following: SIFT: "Tolerated"; PolyPhen-2: "Possibly Damaging"; Align-GVGD: "Class C0". The asparagine amino acid residue is found in multiple mammalian species, suggesting that this missense change does not adversely affect protein function. These predictions have not been confirmed by published functional studies and their clinical significance is uncertain. This variant has not been reported in the literature in individuals with IL1RN-related conditions. This variant is present in population databases (rs138332136, ExAC 0.001%). This sequence change replaces lysine with asparagine at codon 92 of the IL1RN protein (p.Lys92Asn). The lysine residue is highly conserved and there is a moderate physicochemical difference between lysine and asparagine.